The following is an entry in ClinVar:

ClinVar aggregate classification (germline): Uncertain significance (1 of 4 stars; one submission).

Conditions:
Fanconi anemia complementation group D2. Also called: FANCD2-Related Fanconi Anemia; FANCONI PANCYTOPENIA, TYPE 4; FANCONI ANEMIA, COMPLEMENTATION GROUP D. Identifiers: Orphanet 84, MedGen C3160738, MONDO:0009214, OMIM 227646.

Allele frequency attached by ClinVar (database versions not stated): gnomAD exomes below 0.00001.
gnomAD v4.1: 6 of 1,610,408 alleles (0.00037%); highest among the groups gnomAD compares: African/African-American, 0.0013%; no homozygotes.

Submission:

Center for Genomics, Ann and Robert H. Lurie Children's Hospital of Chicago
Classification: Uncertain significance for Fanconi anemia complementation group D2. Last evaluated: 2022-09-29. Review status: criteria provided, single submitter. Criteria: ACMG Guidelines, 2015. Collection method: clinical testing. Allele origin: germline.
Comment: This variant has not been reported in the literature and is not present in large control databases. Evolutionary conservation and computational predictive tools suggest that this variant may not impact the protein. In summary, data on this variant is insufficient for disease classification. Therefore, the clinical significance of this variant is uncertain.

NM_001018115.3(FANCD2):c.2284C>G (p.Leu762Val)

Genes: FANCD2 (FA complementation group D2; plus strand), LOC107303338 (3p25 FANCD2 Alu-mediated recombination region; plus strand). Cytogenetic location: 3p25.3.
Variant type: single nucleotide variant.
Coding change: c.2284C>G on transcript NM_001018115.3 (MANE Select); coding-DNA position 2284, C replaced by G.
Protein change: p.Leu762Val; replaces leucine 762 with valine.
Molecular consequence: missense variant.
Genome position (GRCh38, 1-based): chr3:10,065,878, C>G. VCF-style: chr3-10065878-C-G. GRCh37 (hg19) VCF-style: chr3-10107562-C-G.
Other names: c.2284C>G, p.Leu762Val (NM_001319984.2, NM_001374254.1, NM_033084.6); c.2173C>G, p.Leu725Val (NM_001374253.1); short protein forms L725V, L762V.
Identifiers: ClinVar variation 2500027 (VCV002500027.1), dbSNP rs2469971895, ClinGen allele CA351735360.